The following is an entry in ClinVar:

NM_002474.3(MYH11):c.4601A>C (p.Lys1534Thr)

Genes: MYH11 (myosin heavy chain 11; minus strand), NDE1 (nudE neurodevelopment protein 1; plus strand). Cytogenetic location: 16p13.11.
Variant type: single nucleotide variant.
Coding change: c.4601A>C on transcript NM_002474.3 (MANE Select); coding-DNA position 4601, A replaced by C.
Protein change: p.Lys1534Thr; replaces lysine 1534 with threonine.
Molecular consequence: missense variant. On other transcripts: intron variant (2).
Genome position (GRCh38, 1-based): chr16:15,721,029, T>G on the plus strand (A>C on the coding strand, the complement: MYH11 is on the minus strand). VCF-style: chr16-15721029-T-G. GRCh37 (hg19) VCF-style: chr16-15814886-T-G.
Other names: c.4622A>C, p.Lys1541Thr (NM_001040113.2, NM_001040114.2); c.4601A>C, p.Lys1534Thr (NM_022844.3); c.948-3162T>G (NM_001143979.2, NM_017668.3); short protein forms K1534T, K1541T.
Identifiers: ClinVar variation 1332232 (VCV001332232.4), dbSNP rs1330157483, ClinGen allele CA394854595.

ClinVar aggregate classification (germline): Uncertain significance (1 of 4 stars; one submission).

Conditions:
Familial thoracic aortic aneurysm and aortic dissection (TAAD). Also called: Thoracic aortic aneurysms and dissections. Identifiers: Orphanet 91387, MedGen C4707243, MONDO:0019625.

Allele frequency attached by ClinVar (database versions not stated): TOPMed 0.00002.

Submission:

Color Diagnostics, LLC DBA Color Health
Classification: Uncertain significance for Familial thoracic aortic aneurysm and aortic dissection. Last evaluated: 2024-03-06. Review status: criteria provided, single submitter. Criteria: ACMG Guidelines, 2015. Collection method: clinical testing. Allele origin: germline.
Comment: This missense variant replaces lysine with threonine at codon 1541 of the MYH11 protein. Computational prediction suggests that this variant may have deleterious impact on protein structure and function (internally defined REVEL score threshold >= 0.7, PMID: 27666373). To our knowledge, functional studies have not been reported for this variant. This variant has not been reported in individuals affected with cardiovascular disorders in the literature. This variant has not been identified in the general population by the Genome Aggregation Database (gnomAD). The available evidence is insufficient to determine the role of this variant in disease conclusively. Therefore, this variant is classified as a Variant of Uncertain Significance.